The following is an entry in ClinVar:

NM_175914.5(HNF4A):c.240C>A (p.Cys80Ter)

Gene: HNF4A (hepatocyte nuclear factor 4 alpha; plus strand). Cytogenetic location: 20q13.12.
Variant type: single nucleotide variant.
Coding change: c.240C>A on transcript NM_175914.5 (MANE Select); coding-DNA position 240, C replaced by A.
Protein change: p.Cys80Ter; replaces cysteine 80 with a stop codon.
Molecular consequence: nonsense.
Genome position (GRCh38, 1-based): chr20:44,407,396, C>A. VCF-style: chr20-44407396-C-A. GRCh37 (hg19) VCF-style: chr20-43036036-C-A.
Other names: NM_175914.5:c.240C>A; c.306C>A, p.Cys102Ter (NM_000457.6, NM_178849.3, NM_178850.3); c.240C>A, p.Cys80Ter (NM_001030003.3, NM_001030004.3); c.285C>A, p.Cys95Ter (NM_001258355.2); c.231C>A, p.Cys77Ter (NM_001287182.2, NM_001287183.2, NM_001287184.2); short protein forms C102*, C77*, C80*, C95*.
Identifiers: ClinVar variation 4887956 (VCV004887956.1).

ClinVar aggregate classification (germline): Likely pathogenic (3 of 4 stars; one submission).

Conditions:
Monogenic diabetes. Identifiers: Orphanet 183625, MedGen C3888631, MONDO:0015967.

Submission:

ClinGen Monogenic Diabetes Variant Curation Expert Panel
Classification: Likely pathogenic for Monogenic diabetes. Last evaluated: 2026-08-22. Review status: reviewed by expert panel. Criteria: ClinGen Diabetes ACMG Specifications HNF4A V4.0.0. Collection method: curation. Allele origin: germline. Inheritance: Autosomal dominant inheritance.
Comment: The c.240C>A variant in the hepatocyte nuclear factor 4-alpha gene, HNF4A, results in a premature termination at codon 80 (p.(Cys80Ter)) of NM_175914.5. This variant, located in biologically-relevant exon 3 of 10, is predicted to lead to nonsense mediated decay in a gene in which loss-of-function is an established disease mechanism (PVS1; PMID: 23348805). This variant is absent from gnomAD v4.1.1 (PM2_Supporting). This variant segregated with diabetes with one informative meiosis in a single family; however, this does not meet the thresholds for PP1 set by the ClinGen MDEP (internal lab contributors). In summary, c.240C>A (p.Cys80Ter) meets the criteria to be classified as likely pathogenic for monogenic diabetes. ACMG/AMP criteria applied, as specified by the ClinGen MDEP (specification version 4.0.0, approved 10/10/2025): PVS1, PM2_Supporting.